The following is an entry in ClinVar:

ClinVar aggregate classification (germline): Pathogenic/Likely pathogenic. Review status: criteria provided, multiple submitters, no conflicts (2 of 4 stars). 4 submissions from 4 submitters: Pathogenic (1); Likely pathogenic (2). 1 of the submissions does not count toward it. Last evaluated 2025-10-28.

Conditions:
Tay-Sachs disease (TSD). Also called: HEXA Disorders; HEXA DEFICIENCY; Hexosaminidase A Deficiency; GM2 gangliosidosis, type 1; Hexosaminidase alpha-subunit deficiency (variant B); Sphingolipidosis, Tay-Sachs. Identifiers: Orphanet 845, MedGen C0039373, MONDO:0010100, OMIM 272800.

Submissions (4):

Natera, Inc.
Classification: Likely pathogenic for Tay-Sachs disease. Last evaluated: 2025-10-28. Review status: criteria provided, single submitter. Criteria: Natera Variant Classification Schema (03/2026). Collection method: clinical testing. Allele origin: germline.
Comment: The c.1140delA variant in HEXA is a frameshift variant predicted to shift the reading frame and introduce a stop codon. This variant is expected to result in nonsense mediated decay, truncation, or a dysfunctional protein product. This variant is rare in the general population with a frequency below the threshold expected for the associated phenotype(s). Given the available evidence, this variant is classified as Likely Pathogenic.

Labcorp Genetics (formerly Invitae), Labcorp
Classification: Pathogenic for Tay-Sachs disease. Last evaluated: 2025-08-30. Review status: criteria provided, single submitter. Criteria: Invitae Variant Classification Sherloc (09022015). Collection method: clinical testing. Allele origin: germline.
Comment: This sequence change creates a premature translational stop signal (p.Val381*) in the HEXA gene. It is expected to result in an absent or disrupted protein product. Loss-of-function variants in HEXA are known to be pathogenic (PMID: 1833974, 8490625). This variant is not present in population databases (gnomAD no frequency). This premature translational stop signal has been observed in individual(s) with Tay-Sachs disease (PMID: 22789865). ClinVar contains an entry for this variant (Variation ID: 557082). For these reasons, this variant has been classified as Pathogenic.

Fulgent Genetics
Classification: Likely pathogenic for Tay-Sachs disease. Last evaluated: 2022-03-21. Review status: criteria provided, single submitter. Criteria: ACMG Guidelines, 2015. Collection method: clinical testing. Allele origin: unknown.

Counsyl
Classification: Likely pathogenic for Tay-Sachs disease. Last evaluated: 2018-03-07. Review status: no assertion criteria provided. Collection method: clinical testing. Allele origin: unknown. Not counted in ClinVar's aggregate classification.

Literature cited by the submitters: PubMed 1833974 (cited by Labcorp Genetics (formerly Invitae), Labcorp); PubMed 8490625 (cited by Labcorp Genetics (formerly Invitae), Labcorp); PubMed 22789865 (cited by Labcorp Genetics (formerly Invitae), Labcorp).

NM_000520.6(HEXA):c.1140del (p.Lys380_Val381insTer)

Gene: HEXA (hexosaminidase subunit alpha; minus strand). Cytogenetic location: 15q23.
Variant type: Deletion.
Coding change: c.1140del on transcript NM_000520.6 (MANE Select); coding-DNA position 1140, one base deleted (A; older notation c.1140delA).
Protein change: p.Lys380_Val381insTer.
Molecular consequence: frameshift variant.
Genome position (GRCh38, 1-based): chr15:72,347,692, T deleted on the plus strand (A on the coding strand, the reverse complement: HEXA is on the minus strand); the first of 3 consecutive T bases (chr15:72,347,692-72,347,694); deleting any one gives the same sequence. VCF-style (leftmost placement, unchanged base first): chr15-72347691-CT-C. GRCh37 (hg19) VCF-style: chr15-72640032-CT-C.
Other names: c.1173del, p.Lys391_Val392insTer (NM_001318825.2); c.1140delA (NM_000520.5).
Identifiers: ClinVar variation 557082 (VCV000557082.8), dbSNP rs1555472553, ClinGen allele CA658824865.